The following is an entry in ClinVar:

ClinVar aggregate classification (germline): Uncertain significance (1 of 4 stars; one submission).

Conditions:
Hereditary cancer-predisposing syndrome. Also called: Neoplastic Syndromes, Hereditary; Tumor predisposition; Hereditary Cancer Syndrome; Hereditary neoplastic syndrome. Identifiers: Orphanet 140162, MedGen C0027672, MeSH D009386, MONDO:0015356.

Submission:

Ambry Genetics
Classification: Uncertain significance for Hereditary cancer-predisposing syndrome. Last evaluated: 2026-03-20. Review status: criteria provided, single submitter. Criteria: Ambry Variant Classification Scheme 2023. Collection method: clinical testing. Allele origin: germline.
Comment: The p.R1044S variant (also known as c.3132G>C) is located in coding exon 27 of the TSC2 gene. The arginine at codon 1044 is replaced by serine, an amino acid with dissimilar properties. This change occurs in the first base pair of coding exon 27. This amino acid position is conserved. In addition, this alteration is predicted to be deleterious by in silico analysis. Based on the available evidence, the clinical significance of this variant remains unclear.

NM_000548.5(TSC2):c.3132G>C (p.Arg1044Ser)

Gene: TSC2 (TSC complex subunit 2; plus strand). Cytogenetic location: 16p13.3.
Variant type: single nucleotide variant.
Coding change: c.3132G>C on transcript NM_000548.5 (MANE Select); coding-DNA position 3132, G replaced by C.
Protein change: p.Arg1044Ser; replaces arginine 1044 with serine.
Molecular consequence: missense variant. On other transcripts: non-coding transcript variant (5).
Genome position (GRCh38, 1-based): chr16:2,079,276, G>C. VCF-style: chr16-2079276-G-C. GRCh37 (hg19) VCF-style: chr16-2129277-G-C.
Other names: c.1398G>C, p.Arg466Ser (NM_001406698.1); c.3003G>C, p.Arg1001Ser (NM_021055.3, NM_001363528.2, NM_001370405.1); c.3000G>C, p.Arg1000Ser (NM_001406665.1, NM_001077183.3, NM_001370404.1); c.3093G>C, p.Arg1031Ser (NM_001406667.1); c.3090G>C, p.Arg1030Ser (NM_001406668.1); c.3021G>C, p.Arg1007Ser (NM_001406670.1); c.2991G>C, p.Arg997Ser (NM_001406671.1); c.2988G>C, p.Arg996Ser (NM_001406673.1); and 18 more; short protein forms R1000S, R1001S, R1007S, R1011S, R1030S, R1031S, R1043S, R1044S.
Identifiers: ClinVar variation 4866068 (VCV004866068.1).